The following is an entry in ClinVar:

NM_000138.5(FBN1):c.2911A>C (p.Ile971Leu)

Gene: FBN1 (fibrillin 1; minus strand). Cytogenetic location: 15q21.1.
Variant type: single nucleotide variant.
Coding change: c.2911A>C on transcript NM_000138.5 (MANE Select); coding-DNA position 2911, A replaced by C.
Protein change: p.Ile971Leu; replaces isoleucine 971 with leucine.
Molecular consequence: missense variant.
Genome position (GRCh38, 1-based): chr15:48,490,022, T>G on the plus strand (A>C on the coding strand, the complement: FBN1 is on the minus strand). VCF-style: chr15-48490022-T-G. GRCh37 (hg19) VCF-style: chr15-48782219-T-G.
Other names: c.2911A>C, p.Ile971Leu (NM_001406716.1); short protein forms I971L.
Identifiers: ClinVar variation 2773368 (VCV002773368.2), dbSNP rs766660415, ClinGen allele CA392329835.
Genomic context (GRCh38, chr15:48,490,022, plus strand): 5'-CAGTACCCCAGGCTGCCCCGACGGAGCAGCAGCAGGCGTCCATGCGGTGGCGGCCAGCAA[T>G]AGGCAGGGTGCACTCCTCGTCCTCGTACCTCAGGAAGCAGGTTTCCAGGCGGATATCTGT-3'
Protein context (NP_000129.3, residues 961-981): RYEDEECTLP[Ile971Leu]AGRHRMDACC

ClinVar aggregate classification (germline): Uncertain significance (1 of 4 stars; one submission).

Conditions:
Familial thoracic aortic aneurysm and aortic dissection (TAAD). Also called: Thoracic aortic aneurysms and dissections. Identifiers: Orphanet 91387, MedGen C4707243, MONDO:0019625.

Submission:

Color Diagnostics, LLC DBA Color Health
Classification: Uncertain significance for Familial thoracic aortic aneurysm and aortic dissection. Last evaluated: 2024-03-06. Review status: criteria provided, single submitter. Criteria: ACMG Guidelines, 2015. Collection method: clinical testing. Allele origin: germline.
Comment: This missense variant replaces isoleucine with leucine at codon 971 of the FBN1 protein. Computational prediction suggests that this variant may not impact protein structure and function (internally defined REVEL score threshold <= 0.5, PMID: 27666373). To our knowledge, functional studies have not been reported for this variant. This variant has not been reported in individuals affected with cardiovascular disorders in the literature. This variant has not been identified in the general population by the Genome Aggregation Database (gnomAD). The available evidence is insufficient to determine the role of this variant in disease conclusively. Therefore, this variant is classified as a Variant of Uncertain Significance.